The following is an entry in ClinVar:

NM_001379029.1(CERT1):c.1733C>T (p.Thr578Ile)

Gene: CERT1 (ceramide transporter 1; minus strand). Cytogenetic location: 5q13.3.
Variant type: single nucleotide variant.
Coding change: c.1733C>T on transcript NM_001379029.1 (MANE Select); coding-DNA position 1733, C replaced by T.
Protein change: p.Thr578Ile; replaces threonine 578 with isoleucine.
Molecular consequence: missense variant.
Genome position (GRCh38, 1-based): chr5:75,381,086, G>A on the plus strand (C>T on the coding strand, the complement: CERT1 is on the minus strand). VCF-style: chr5-75381086-G-A. GRCh37 (hg19) VCF-style: chr5-74676911-G-A.
Other names: c.1733C>T, p.Thr578Ile (NM_001379002.1, NM_005713.3); c.1655C>T, p.Thr552Ile (NM_001379003.1, NM_001379004.1, NM_031361.3); c.2117C>T, p.Thr706Ile (NM_001130105.1); short protein forms T552I, T578I, T706I.
Identifiers: ClinVar variation 1698012 (VCV001698012.2), dbSNP rs2111990876, ClinGen allele CA360139318.
Genomic context (GRCh38, chr5:75,381,086, plus strand): 5'-CAAGAACAGCCACATTATCAAAGAGCAAAAACAATAAAATACATACCATTAGCTACATAT[G>A]TAATCTTGCATAGAATGTTGTCCCTGCTAATTTCCTGGTTTCCCTCTGGTGGGCTTACCA-3'
Protein context (NP_001365958.1, residues 568-588): ISRDNILCKI[Thr578Ile]YVANVNPGGW

ClinVar aggregate classification (germline): Uncertain significance (1 of 4 stars; one submission).

Allele frequency attached by ClinVar (database versions not stated): gnomAD exomes below 0.00001.
gnomAD v4.1: 1 of 1,614,066 alleles (0.000062%); highest among the groups gnomAD compares: Middle Eastern, 0.017%; no homozygotes.

Submission:

GeneDx
Classification: Uncertain significance. Last evaluated: 2022-01-25. Review status: criteria provided, single submitter. Criteria: GeneDx Variant Classification Process June 2021. Collection method: clinical testing. Allele origin: germline. Affected: yes.
Comment: Not observed at significant frequency in large population cohorts (gnomAD); In silico analysis supports that this missense variant has a deleterious effect on protein structure/function; Has not been previously published as pathogenic or benign to our knowledge